The following is an entry in ClinVar:

NM_001098816.3(TENM4):c.466G>A (p.Asp156Asn)

Gene: TENM4 (teneurin transmembrane protein 4; minus strand). Cytogenetic location: 11q14.1.
Variant type: single nucleotide variant.
Coding change: c.466G>A on transcript NM_001098816.3 (MANE Select); coding-DNA position 466, G replaced by A.
Protein change: p.Asp156Asn; replaces aspartic acid 156 with asparagine.
Molecular consequence: missense variant.
Genome position (GRCh38, 1-based): chr11:79,064,765, C>T on the plus strand (G>A on the coding strand, the complement: TENM4 is on the minus strand). VCF-style: chr11-79064765-C-T. GRCh37 (hg19) VCF-style: chr11-78775810-C-T.
Other names: short protein forms D156N.
Identifiers: ClinVar variation 1402485 (VCV001402485.8), dbSNP rs1190728041, ClinGen allele CA382185229.

ClinVar aggregate classification (germline): Uncertain significance (1 of 4 stars; one submission).

Allele frequency attached by ClinVar (database versions not stated): gnomAD exomes 0.00001; TOPMed 0.00001; gnomAD 0.00002.

Submission:

Labcorp Genetics (formerly Invitae), Labcorp
Classification: Uncertain significance. Last evaluated: 2023-12-24. Review status: criteria provided, single submitter. Criteria: Invitae Variant Classification Sherloc (09022015). Collection method: clinical testing. Allele origin: germline.
Comment: This sequence change replaces aspartic acid, which is acidic and polar, with asparagine, which is neutral and polar, at codon 156 of the TENM4 protein (p.Asp156Asn). This variant is present in population databases (no rsID available, gnomAD 0.02%). This variant has not been reported in the literature in individuals affected with TENM4-related conditions. ClinVar contains an entry for this variant (Variation ID: 1402485). An algorithm developed to predict the effect of missense changes on protein structure and function (PolyPhen-2) suggests that this variant is likely to be disruptive. In summary, the available evidence is currently insufficient to determine the role of this variant in disease. Therefore, it has been classified as a Variant of Uncertain Significance.